The following is an entry in ClinVar:

NM_000208.4(INSR):c.1876C>G (p.Leu626Val)

Gene: INSR (insulin receptor; minus strand). Cytogenetic location: 19p13.2.
Variant type: single nucleotide variant.
Coding change: c.1876C>G on transcript NM_000208.4 (MANE Select); coding-DNA position 1876, C replaced by G.
Protein change: p.Leu626Val; replaces leucine 626 with valine.
Molecular consequence: missense variant.
Genome position (GRCh38, 1-based): chr19:7,163,185, G>C on the plus strand (C>G on the coding strand, the complement: INSR is on the minus strand). VCF-style: chr19-7163185-G-C. GRCh37 (hg19) VCF-style: chr19-7163196-G-C.
Other names: c.1876C>G, p.Leu626Val (NM_001079817.3); short protein forms L626V.
Identifiers: ClinVar variation 5008901 (VCV005008901.1).

ClinVar aggregate classification (germline): Uncertain significance (1 of 4 stars; one submission).

Submission:

GeneDx
Classification: Uncertain significance. Last evaluated: 2026-03-16. Review status: criteria provided, single submitter. Criteria: GeneDx Variant Classification Process June 2021. Collection method: clinical testing. Allele origin: germline.
Comment: Not observed at significant frequency in large population cohorts (gnomAD); In silico analysis suggests that this missense variant does not alter protein structure/function; Has not been previously published as pathogenic or benign to our knowledge